The following is an entry in ClinVar:

NM_005188.4(CBL):c.1339G>A (p.Ala447Thr)

Gene: CBL (Cbl proto-oncogene; plus strand). Cytogenetic location: 11q23.3.
Variant type: single nucleotide variant.
Coding change: c.1339G>A on transcript NM_005188.4 (MANE Select); coding-DNA position 1339, G replaced by A.
Protein change: p.Ala447Thr; replaces alanine 447 with threonine.
Molecular consequence: missense variant.
Genome position (GRCh38, 1-based): chr11:119,278,621, G>A. VCF-style: chr11-119278621-G-A. GRCh37 (hg19) VCF-style: chr11-119149331-G-A.
Other names: short protein forms A447T.
Identifiers: ClinVar variation 4613871 (VCV004613871.1).
Genomic context (GRCh38, chr11:119,278,621, plus strand): 5'-GAACCCATCGTGGTAGATCCGTTTGATCCTAGAGGGAGTGGCAGCCTGTTGAGGCAAGGA[G>A]CAGAGGGAGCTCCCTCCCCAAATTATGATGATGATGATGATGAACGAGCTGATGATACTC-3'
Protein context (NP_005179.2, residues 437-457): RGSGSLLRQG[Ala447Thr]EGAPSPNYDD

ClinVar aggregate classification (germline): Uncertain significance (1 of 4 stars; one submission).

Conditions:
Cardiovascular phenotype. Identifiers: MedGen CN230736.

gnomAD v4.1: 4 of 1,613,920 alleles (0.00025%); highest among the groups gnomAD compares: African/African-American, 0.004%; no homozygotes.

Submission:

Ambry Genetics
Classification: Uncertain significance for Cardiovascular phenotype. Last evaluated: 2025-11-11. Review status: criteria provided, single submitter. Criteria: Ambry Variant Classification Scheme 2023. Collection method: clinical testing. Allele origin: germline.
Comment: The p.A447T variant (also known as c.1339G>A), located in coding exon 9 of the CBL gene, results from a G to A substitution at nucleotide position 1339. The alanine at codon 447 is replaced by threonine, an amino acid with similar properties. This amino acid position is conserved. In addition, this alteration is predicted to be tolerated by in silico analysis. Based on the available evidence, the clinical significance of this variant remains unclear.